The following is an entry in ClinVar:

NM_001170700.3(DTHD1):c.950C>T (p.Ser317Leu)

Gene: DTHD1 (death domain containing 1; plus strand). Cytogenetic location: 4p14.
Variant type: single nucleotide variant.
Coding change: c.950C>T on transcript NM_001170700.3 (MANE Select); coding-DNA position 950, C replaced by T.
Protein change: p.Ser317Leu; replaces serine 317 with leucine.
Molecular consequence: missense variant. On other transcripts: non-coding transcript variant (2).
Genome position (GRCh38, 1-based): chr4:36,290,435, C>T. VCF-style: chr4-36290435-C-T. GRCh37 (hg19) VCF-style: chr4-36292057-C-T.
Other names: c.80C>T, p.Ser27Leu (NM_001136536.5, NM_001378435.1); short protein forms S317L, S27L.
Identifiers: ClinVar variation 2074468 (VCV002074468.4), dbSNP rs2529717130, ClinGen allele CA356678702.
Genomic context (GRCh38, chr4:36,290,435, plus strand): 5'-ATCTTGATGTGCTGAGTGATGTTACTGGCCCCCAAGTGTCTTGTTATATTACAGCACCAT[C>T]ATATGTTCTACAACAACTAGAATGCCGGATAATAAATCACATGAGTTCTTTAATAGTGGG-3'
Protein context (NP_001164171.2, residues 307-327): PQVSCYITAP[Ser317Leu]YVLQQLECRI

ClinVar aggregate classification (germline): Uncertain significance (1 of 4 stars; one submission).

gnomAD v4.1: 1 of 1,551,908 alleles (0.000064%); highest among the groups gnomAD compares: Non-Finnish European, 0.000087%; no homozygotes.

Submission:

Labcorp Genetics (formerly Invitae), Labcorp
Classification: Uncertain significance. Last evaluated: 2022-01-04. Review status: criteria provided, single submitter. Criteria: Invitae Variant Classification Sherloc (09022015). Collection method: clinical testing. Allele origin: germline.
Comment: This sequence change replaces serine, which is neutral and polar, with leucine, which is neutral and non-polar, at codon 27 of the DTHD1 protein (p.Ser27Leu). This variant is not present in population databases (gnomAD no frequency). This variant has not been reported in the literature in individuals affected with DTHD1-related conditions. Algorithms developed to predict the effect of missense changes on protein structure and function output the following: SIFT: "Deleterious"; PolyPhen-2: "Benign"; Align-GVGD: "Class C0". The leucine amino acid residue is found in multiple mammalian species, which suggests that this missense change does not adversely affect protein function. In summary, the available evidence is currently insufficient to determine the role of this variant in disease. Therefore, it has been classified as a Variant of Uncertain Significance.